The following is an entry in ClinVar:

ClinVar aggregate classification (germline): Uncertain significance (1 of 4 stars; one submission).

gnomAD v4.1: 1 of 1,546,924 alleles (0.000065%); highest among the groups gnomAD compares: Non-Finnish European, 0.000087%; no homozygotes.

Submission:

Labcorp Genetics (formerly Invitae), Labcorp
Classification: Uncertain significance. Last evaluated: 2021-11-15. Review status: criteria provided, single submitter. Criteria: Invitae Variant Classification Sherloc (09022015). Collection method: clinical testing. Allele origin: germline.
Comment: In summary, the available evidence is currently insufficient to determine the role of this variant in disease. Therefore, it has been classified as a Variant of Uncertain Significance. This sequence change replaces serine, which is neutral and polar, with isoleucine, which is neutral and non-polar, at codon 2790 of the SRCAP protein (p.Ser2790Ile). This variant is not present in population databases (gnomAD no frequency). This variant has not been reported in the literature in individuals affected with SRCAP-related conditions. Algorithms developed to predict the effect of missense changes on protein structure and function are either unavailable or do not agree on the potential impact of this missense change (SIFT: "Deleterious"; PolyPhen-2: "Benign"; Align-GVGD: "Class C0").

NM_006662.3(SRCAP):c.8369G>T (p.Ser2790Ile)

Gene: SRCAP (Snf2 related CREBBP activator protein; plus strand). Cytogenetic location: 16p11.2.
Variant type: single nucleotide variant.
Coding change: c.8369G>T on transcript NM_006662.3 (MANE Select); coding-DNA position 8369, G replaced by T.
Protein change: p.Ser2790Ile; replaces serine 2790 with isoleucine.
Molecular consequence: missense variant.
Genome position (GRCh38, 1-based): chr16:30,738,409, G>T. VCF-style: chr16-30738409-G-T. GRCh37 (hg19) VCF-style: chr16-30749730-G-T.
Other names: short protein forms S2790I.
Identifiers: ClinVar variation 1482871 (VCV001482871.6), dbSNP rs2151300721, ClinGen allele CA395637323.
Genomic context (GRCh38, chr16:30,738,409, plus strand): 5'-AGCGGGGAGCTGCCAGCACCCTAGTGCCTGGGGTCTCTGAGACTAGTGCCAGCCCGGGAA[G>T]CCCGTCTGTCCGCAGCATGTCAGGGCCAGAATCCTCCCCTCCCATTGGTGGGCCCTGTGA-3'
Protein context (NP_006653.2, residues 2780-2800): GVSETSASPG[Ser2790Ile]PSVRSMSGPE